The following is an entry in ClinVar:

ClinVar aggregate classification (germline): Uncertain significance (1 of 4 stars; one submission).

Allele frequency attached by ClinVar (database versions not stated): gnomAD 0.00001.
gnomAD v4.1: 1 of 1,614,020 alleles (0.000062%); highest among the groups gnomAD compares: Admixed American, 0.0017%; no homozygotes.

Submission:

Labcorp Genetics (formerly Invitae), Labcorp
Classification: Uncertain significance. Last evaluated: 2022-03-26. Review status: criteria provided, single submitter. Criteria: Invitae Variant Classification Sherloc (09022015). Collection method: clinical testing. Allele origin: germline.
Comment: In summary, the available evidence is currently insufficient to determine the role of this variant in disease. Therefore, it has been classified as a Variant of Uncertain Significance. Algorithms developed to predict the effect of missense changes on protein structure and function (SIFT, PolyPhen-2, Align-GVGD) all suggest that this variant is likely to be tolerated. This variant has not been reported in the literature in individuals affected with TNFRSF11A-related conditions. This variant is not present in population databases (gnomAD no frequency). This sequence change replaces isoleucine, which is neutral and non-polar, with phenylalanine, which is neutral and non-polar, at codon 230 of the TNFRSF11A protein (p.Ile230Phe).

NM_003839.4(TNFRSF11A):c.688A>T (p.Ile230Phe)

Gene: TNFRSF11A (TNF receptor superfamily member 11a; plus strand). Cytogenetic location: 18q21.33.
Variant type: single nucleotide variant.
Coding change: c.688A>T on transcript NM_003839.4 (MANE Select); coding-DNA position 688, A replaced by T.
Protein change: p.Ile230Phe; replaces isoleucine 230 with phenylalanine.
Molecular consequence: missense variant. On other transcripts: intron variant (1).
Genome position (GRCh38, 1-based): chr18:62,361,751, A>T. VCF-style: chr18-62361751-A-T. GRCh37 (hg19) VCF-style: chr18-60028984-A-T.
Other names: c.688A>T, p.Ile230Phe (NM_001270949.2, NM_001270950.2); c.646A>T, p.Ile216Phe (NM_001278268.2); c.616+1702A>T (NM_001270951.2); short protein forms I216F, I230F.
Identifiers: ClinVar variation 2117045 (VCV002117045.4), dbSNP rs1909704722, ClinGen allele CA402614306.